The following is an entry in ClinVar:

ClinVar aggregate classification (germline): Uncertain significance (1 of 4 stars; one submission).

gnomAD v4.1: 19 of 1,614,106 alleles (0.0012%); highest among the groups gnomAD compares: African/African-American, 0.0027%; no homozygotes.

Submission:

CeGaT Center for Human Genetics Tuebingen
Classification: Uncertain significance. Last evaluated: 2025-03-01. Review status: criteria provided, single submitter. Criteria: CeGaT Center For Human Genetics Tuebingen Variant Classification Criteria Version 2. Collection method: clinical testing. Allele origin: germline. Affected: yes. Observed: 1 variant allele.
Comment: TIAM1: PM2, BP4

NM_001353694.2(TIAM1):c.662G>A (p.Arg221Gln)

Gene: TIAM1 (TIAM Rac1 associated GEF 1; minus strand). Cytogenetic location: 21q22.11.
Variant type: single nucleotide variant.
Coding change: c.662G>A on transcript NM_001353694.2 (MANE Select); coding-DNA position 662, G replaced by A.
Protein change: p.Arg221Gln; replaces arginine 221 with glutamine.
Molecular consequence: missense variant.
Genome position (GRCh38, 1-based): chr21:31,266,311, C>T on the plus strand (G>A on the coding strand, the complement: TIAM1 is on the minus strand). VCF-style: chr21-31266311-C-T. GRCh37 (hg19) VCF-style: chr21-32638627-C-T.
Other names: c.662G>A, p.Arg221Gln (NM_001353686.2, NM_001353687.2, NM_001353688.1 and 6 more transcripts); short protein forms R221Q.
Identifiers: ClinVar variation 3778179 (VCV003778179.7).
Genomic context (GRCh38, chr21:31,266,311, plus strand): 5'-GAGTTTTTCTGAGCATACAAGTCACCCAAGGAATTGGCTCTCTGACAGGTGCTGAGCTGC[C>T]GCGGACTCGCCCGCGTTTCCATCCCCCGAGCCTCCTCGCAGTCCTTCTCTTCGGCGGAAC-3'
Protein context (NP_001340623.1, residues 211-231): ARGMETRASP[Arg221Gln]QLSTCQRANS